The following is an entry in ClinVar:

NM_024426.6(WT1):c.587G>T (p.Gly196Val)

Genes: WT1 (WT1 transcription factor; minus strand), LOC107982234 (WT1/WT1-AS bi-directional promoter region; plus strand). Cytogenetic location: 11p13.
Variant type: single nucleotide variant.
Coding change: c.587G>T on transcript NM_024426.6 (MANE Select); coding-DNA position 587, G replaced by T.
Protein change: p.Gly196Val; replaces glycine 196 with valine.
Molecular consequence: missense variant. On other transcripts: non-coding transcript variant (2).
Genome position (GRCh38, 1-based): chr11:32,434,774, C>A on the plus strand (G>T on the coding strand, the complement: WT1 is on the minus strand). VCF-style: chr11-32434774-C-A. GRCh37 (hg19) VCF-style: chr11-32456320-C-A.
Other names: c.368G>T, p.Gly123Val (NM_001429031.1, NM_001429032.1, NM_001429033.1 and 1 more transcripts); c.587G>T, p.Gly196Val (NM_024424.5, NM_000378.6, NM_001407044.1 and 6 more transcripts); short protein forms G123V, G191V, G196V.
Identifiers: ClinVar variation 4866815 (VCV004866815.1).

ClinVar aggregate classification (germline): Uncertain significance (1 of 4 stars; one submission).

Conditions:
Inborn genetic diseases. Identifiers: MedGen C0950123, MeSH D030342.

Submission:

Ambry Genetics
Classification: Uncertain significance for Inborn genetic diseases. Last evaluated: 2026-05-19. Review status: criteria provided, single submitter. Criteria: Ambry Variant Classification Scheme 2023. Collection method: clinical testing. Allele origin: germline.
Comment: The p.G191V variant (also known as c.572G>T), located in coding exon 1 of the WT1 gene, results from a G to T substitution at nucleotide position 572. The glycine at codon 191 is replaced by valine, an amino acid with dissimilar properties. This amino acid position is conserved. In addition, the in silico prediction for this alteration is inconclusive. Based on the available evidence, the clinical significance of this variant remains unclear.